The following is an entry in ClinVar:

ClinVar aggregate classification (germline): Uncertain significance (1 of 4 stars; one submission).

Conditions:
Tuberous sclerosis 2 (TSC2). Identifiers: Orphanet 805, MedGen C1860707, MONDO:0013199, OMIM 613254.

Submission:

Labcorp Genetics (formerly Invitae), Labcorp
Classification: Uncertain significance for Tuberous sclerosis 2. Last evaluated: 2024-06-19. Review status: criteria provided, single submitter. Criteria: Invitae Variant Classification Sherloc (09022015). Collection method: clinical testing. Allele origin: germline.
Comment: This sequence change replaces serine, which is neutral and polar, with asparagine, which is neutral and polar, at codon 1014 of the TSC2 protein (p.Ser1014Asn). This variant is not present in population databases (gnomAD no frequency). This variant has not been reported in the literature in individuals affected with TSC2-related conditions. Advanced modeling of protein sequence and biophysical properties (such as structural, functional, and spatial information, amino acid conservation, physicochemical variation, residue mobility, and thermodynamic stability) performed at Invitae indicates that this missense variant is not expected to disrupt TSC2 protein function with a negative predictive value of 95%. In summary, the available evidence is currently insufficient to determine the role of this variant in disease. Therefore, it has been classified as a Variant of Uncertain Significance.

NM_000548.5(TSC2):c.3041G>A (p.Ser1014Asn)

Gene: TSC2 (TSC complex subunit 2; plus strand). Cytogenetic location: 16p13.3.
Variant type: single nucleotide variant.
Coding change: c.3041G>A on transcript NM_000548.5 (MANE Select); coding-DNA position 3041, G replaced by A.
Protein change: p.Ser1014Asn; replaces serine 1014 with asparagine.
Molecular consequence: missense variant. On other transcripts: non-coding transcript variant (5).
Genome position (GRCh38, 1-based): chr16:2,079,106, G>A. VCF-style: chr16-2079106-G-A. GRCh37 (hg19) VCF-style: chr16-2129107-G-A.
Other names: c.2909G>A, p.Ser970Asn (NM_001077183.3, NM_001370404.1, NM_001406665.1); c.3041G>A, p.Ser1014Asn (NM_001114382.3); c.2801G>A, p.Ser934Asn (NM_001318827.2); c.2765G>A, p.Ser922Asn (NM_001318829.2); c.2309G>A, p.Ser770Asn (NM_001318831.2, NM_001406687.1, NM_001406688.1); c.2900G>A, p.Ser967Asn (NM_001406671.1); c.2897G>A, p.Ser966Asn (NM_001406673.1); c.2894G>A, p.Ser965Asn (NM_001406675.1); and 18 more; short protein forms S1013N, S566N, S770N, S814N, S934N, S967N, S970N, S1001N.
Identifiers: ClinVar variation 3689032 (VCV003689032.2).